The following is an entry in ClinVar:

ClinVar aggregate classification (germline): Likely benign. Review status: criteria provided, single submitter (1 of 4 stars). 2 submissions from 2 submitters: Likely benign (1). 1 of the submissions does not count toward it. Last evaluated 2023-09-08.

Conditions:
PEX16-related disorder. Also called: PEX16-related condition.
Peroxisome biogenesis disorder. Identifiers: Orphanet 79189, MedGen C1832200, MONDO:0019234. Disease mechanism: loss of function.

Allele frequency attached by ClinVar (database versions not stated): gnomAD exomes below 0.00001.
gnomAD v4.1: 6 of 1,609,716 alleles (0.00037%); highest among the groups gnomAD compares: Non-Finnish European, 0.00043%; no homozygotes.

Submissions (2):

Labcorp Genetics (formerly Invitae), Labcorp
Classification: Likely benign for Peroxisome biogenesis disorder. Last evaluated: 2023-09-08. Review status: criteria provided, single submitter. Criteria: Invitae Variant Classification Sherloc (09022015). Collection method: clinical testing. Allele origin: germline.

PreventionGenetics, part of Exact Sciences
Classification: Likely benign for PEX16-related condition. Last evaluated: 2021-03-04. Review status: no assertion criteria provided. Collection method: clinical testing. Allele origin: germline. Not counted in ClinVar's aggregate classification.
Comment: This variant is classified as likely benign based on ACMG/AMP sequence variant interpretation guidelines (Richards et al. 2015 PMID: 25741868, with internal and published modifications).

NM_004813.4(PEX16):c.953-8C>T

Gene: PEX16 (peroxisomal biogenesis factor 16; minus strand). Cytogenetic location: 11p11.2.
Variant type: single nucleotide variant.
Coding change: c.953-8C>T on transcript NM_004813.4 (MANE Select); 8 bases into the intron before coding-DNA position 953, C replaced by T.
Molecular consequence: intron variant.
Genome position (GRCh38, 1-based): chr11:45,910,320, G>A on the plus strand (C>T on the coding strand, the complement: PEX16 is on the minus strand). VCF-style: chr11-45910320-G-A. GRCh37 (hg19) VCF-style: chr11-45931871-G-A.
Other names: c.953-8C>T (NM_004813.2); c.953-143C>T (NM_057174.3).
Identifiers: ClinVar variation 2912813 (VCV002912813.5), dbSNP rs2494875602, ClinGen allele CA2613278504.